The following is an entry in ClinVar:

NM_004329.3(BMPR1A):c.613T>G (p.Ser205Ala)

Gene: BMPR1A (bone morphogenetic protein receptor type 1A; plus strand). Cytogenetic location: 10q23.2.
Variant type: single nucleotide variant.
Coding change: c.613T>G on transcript NM_004329.3 (MANE Select); coding-DNA position 613, T replaced by G.
Protein change: p.Ser205Ala; replaces serine 205 with alanine.
Molecular consequence: missense variant.
Genome position (GRCh38, 1-based): chr10:86,912,322, T>G. VCF-style: chr10-86912322-T-G. GRCh37 (hg19) VCF-style: chr10-88672079-T-G.
Other names: c.688T>G, p.Ser230Ala (NM_001406559.1); c.661T>G, p.Ser221Ala (NM_001406560.1); c.613T>G, p.Ser205Ala (NM_001406561.1, NM_001406562.1, NM_001406563.1 and 20 more transcripts); c.529T>G, p.Ser177Ala (NM_001406584.1, NM_001406585.1, NM_001406586.1 and 2 more transcripts); short protein forms S205A, S221A, S230A, S177A.
Identifiers: ClinVar variation 1751836 (VCV001751836.2), dbSNP rs2539573485, ClinGen allele CA377454781.
Genomic context (GRCh38, chr10:86,912,322, plus strand): 5'-AGCAGACGTCGTTACAATCGTGATTTGGAACAGGATGAAGCATTTATTCCAGTTGGAGAA[T>G]CACTAAAAGACCTTATTGACCAGTCACAAAGTTCTGGTAGTGGGTCTGGACTACCTTTAT-3'
Protein context (NP_004320.2, residues 195-215): QDEAFIPVGE[Ser205Ala]LKDLIDQSQS

ClinVar aggregate classification (germline): Uncertain significance (1 of 4 stars; one submission).

Conditions:
Hereditary cancer-predisposing syndrome. Also called: Hereditary Cancer Syndrome; Hereditary neoplastic syndrome; Neoplastic Syndromes, Hereditary; Tumor predisposition. Identifiers: Orphanet 140162, MedGen C0027672, MeSH D009386, MONDO:0015356.

Submission:

Ambry Genetics
Classification: Uncertain significance for Hereditary cancer-predisposing syndrome. Last evaluated: 2022-08-17. Review status: criteria provided, single submitter. Criteria: Ambry Variant Classification Scheme 2023. Collection method: clinical testing. Allele origin: germline.
Comment: The p.S205A variant (also known as c.613T>G), located in coding exon 6 of the BMPR1A gene, results from a T to G substitution at nucleotide position 613. The serine at codon 205 is replaced by alanine, an amino acid with similar properties. This amino acid position is conserved. In addition, this alteration is predicted to be deleterious by in silico analysis. Since supporting evidence is limited at this time, the clinical significance of this alteration remains unclear.